The following is an entry in ClinVar:

NM_002972.4(SBF1):c.4554+2T>C

Gene: SBF1 (SET binding factor 1; minus strand). Cytogenetic location: 22q13.33.
Variant type: single nucleotide variant.
Coding change: c.4554+2T>C on transcript NM_002972.4 (MANE Select); the canonical splice donor site of the intron after coding-DNA position 4554, T replaced by C.
Molecular consequence: splice donor variant.
Genome position (GRCh38, 1-based): chr22:50,455,222, A>G on the plus strand (T>C on the coding strand, the complement: SBF1 is on the minus strand). VCF-style: chr22-50455222-A-G. GRCh37 (hg19) VCF-style: chr22-50893651-A-G.
Other names: c.4476+2T>C (NM_001410795.1); c.4479+2T>C (NM_001365819.1); c.4557+2T>C (NM_001410794.1).
Identifiers: ClinVar variation 4805322 (VCV004805322.1).

ClinVar aggregate classification (germline): Likely pathogenic (1 of 4 stars; one submission).

Submission:

Labcorp Genetics (formerly Invitae), Labcorp
Classification: Likely pathogenic. Last evaluated: 2025-10-13. Review status: criteria provided, single submitter. Criteria: Invitae Variant Classification Sherloc (09022015). Collection method: clinical testing. Allele origin: germline.
Comment: This sequence change affects a donor splice site in intron 33 of the SBF1 gene. It is expected to disrupt RNA splicing. Variants that disrupt the donor or acceptor splice site typically lead to a loss of protein function (PMID: 16199547), and loss-of-function variants in SBF1 are known to be pathogenic (PMID: 28005197, 28902413). This variant is not present in population databases (gnomAD no frequency). This variant has not been reported in the literature in individuals affected with SBF1-related conditions. Algorithms developed to predict the effect of sequence changes on RNA splicing suggest that this variant may disrupt the consensus splice site. In summary, the currently available evidence indicates that the variant is pathogenic, but additional data are needed to prove that conclusively. Therefore, this variant has been classified as Likely Pathogenic.

Literature cited by the submitters: PubMed 16199547; PubMed 28005197; PubMed 28902413.